The following is an entry in ClinVar:

ClinVar aggregate classification (germline): Benign. Review status: reviewed by expert panel (3 of 4 stars). 15 submissions from 12 submitters: Benign (1). 14 of the submissions do not count toward it. Last evaluated 2024-01-23.

Conditions:
Recombinase activating gene 1 deficiency. Identifiers: MedGen CN375631, MONDO:0000572.
Combined immunodeficiency with skin granulomas. Identifiers: Orphanet 157949, MedGen C2673536, MONDO:0009306, OMIM 233650.
Severe combined immunodeficiency, autosomal recessive, T cell-negative, B cell-negative, NK cell-positive. Also called: Severe combined immunodeficiency due to complete RAG1/2 deficiency; SCID, T CELL-NEGATIVE, B CELL-NEGATIVE, NK CELL-POSITIVE; SCID, AR, T-cell negative, B-cell negative, NK cell-positive. Identifiers: Orphanet 331206, MedGen C1832322, MONDO:0011086, OMIM 601457.
Immunodeficiency 104. Also called: IMMUNODEFICIENCY 104, SEVERE COMBINED; SCID, AUTOSOMAL RECESSIVE, T CELL-NEGATIVE, B CELL-POSITIVE, NK CELL-POSITIVE; Severe combined immunodeficiency, autosomal recessive, T cell-negative, B cell-positive, NK cell-positive; Severe Combined Immune Deficiency, Autosomal Recessive, TCell -Negative, B Cell-Positive, NK Cell-Positive, IL7R-Related. Identifiers: MedGen C5676890, MONDO:0012163, OMIM 608971.
Histiocytic medullary reticulosis. Also called: SEVERE COMBINED IMMUNODEFICIENCY WITH HYPEREOSINOPHILIA; Omenn syndrome. Identifiers: Orphanet 39041, MedGen C2700553, MONDO:0011338, OMIM 603554.

Allele frequency attached by ClinVar (database versions not stated): ESP Exome Variant Server 0.11192; gnomAD 0.12928 and 0.13999; gnomAD exomes 0.13493 and 0.19498; TOPMed 0.15214; ExAC 0.18660; 1000 Genomes Project 30x 0.25125; 1000 Genomes Project 0.25799.
gnomAD v4.1: 220,076 of 1,614,118 alleles (14%); highest among the groups gnomAD compares: East Asian, 59%; 22,786 homozygotes.

Submissions (15):

ClinGen Severe Combined Immunodeficiency Variant Curation Expert Panel, ClinGen
Classification: Benign for Recombinase activating gene 1 deficiency. Last evaluated: 2024-01-23. Review status: reviewed by expert panel. Criteria: ClinGen SCID ACMG Specifications RAG1 V1.0.0. Collection method: curation. Allele origin: germline. Inheritance: Autosomal recessive inheritance.
Comment: The NM_000448.3:c.2459A>G variant in RAG1 is a missense variant predicted to cause the substitution of Lysine by Arginine at amino acid 820 (p.Lys820Arg). The filtering allele frequency (the lower threshold of the 95% CI of 26338/44862) of the c.2459A>G variant in RAG1 is 0.5818 for East Asian chromosomes by gnomAD v.4, which is higher than the ClinGen SCID VCEP threshold (>0.00872) for BA1, and therefore meets this criterion (BA1). Additionally, 22786 homozygous adults are reported on gnomAD v.4, BS2_Supporting is Met. In summary, this variant meets the criteria to be classified as Benign for autosomal recessive SCID. ACMG/AMP criteria applied, as specified by the ClinGen SCID-VCEP: BA1 and BS2_Supporting. (VCEP specifications version 1).

Labcorp Genetics (formerly Invitae), Labcorp
Classification: Benign for Combined immunodeficiency with skin granulomas; Severe combined immunodeficiency, autosomal recessive, T cell-negative, B cell-negative, NK cell-positive. Last evaluated: 2026-02-04. Review status: criteria provided, single submitter. Criteria: Invitae Variant Classification Sherloc (09022015). Collection method: clinical testing. Allele origin: germline. Not counted in ClinVar's aggregate classification.

Blueprint Genetics
Classification: Likely benign. Last evaluated: 2024-11-27. Review status: criteria provided, single submitter. Criteria: ACMG Guidelines, 2015. Collection method: clinical testing. Allele origin: germline. Not counted in ClinVar's aggregate classification.

Unidad de Genómica Garrahan, Hospital de Pediatría Garrahan
Classification: Benign. Last evaluated: 2024-01-24. Review status: criteria provided, single submitter. Criteria: ACMG Guidelines, 2015. Collection method: clinical testing. Allele origin: germline. Affected: no. Observed: 42 variant alleles. Not counted in ClinVar's aggregate classification.
Comment: This variant is classified as Benign based on local population frequency. This variant was detected in 48% of patients studied by a panel of primary immunodeficiencies. Number of patients: 42. Only high quality variants are reported.

Genome-Nilou Lab
Classification: Benign for Combined immunodeficiency with skin granulomas. Last evaluated: 2021-11-07. Review status: criteria provided, single submitter. Criteria: ACMG Guidelines, 2015. Collection method: clinical testing. Allele origin: germline. Affected: no. Not counted in ClinVar's aggregate classification.

Genome-Nilou Lab
Classification: Benign for Histiocytic medullary reticulosis. Last evaluated: 2021-11-07. Review status: criteria provided, single submitter. Criteria: ACMG Guidelines, 2015. Collection method: clinical testing. Allele origin: germline. Affected: no. Not counted in ClinVar's aggregate classification.

Genome-Nilou Lab
Classification: Benign for Severe combined immunodeficiency, autosomal recessive, T cell-negative, B cell-negative, NK cell-positive. Last evaluated: 2021-11-07. Review status: criteria provided, single submitter. Criteria: ACMG Guidelines, 2015. Collection method: clinical testing. Allele origin: germline. Affected: no. Not counted in ClinVar's aggregate classification.

Mayo Clinic Laboratories, Mayo Clinic
Classification: Benign. Last evaluated: 2018-03-21. Review status: criteria provided, single submitter. Criteria: ACMG Guidelines, 2015. Collection method: clinical testing. Allele origin: germline. Observed: 129 variant alleles. Not counted in ClinVar's aggregate classification.

Illumina Laboratory Services, Illumina
Classification: Benign for Histiocytic medullary reticulosis. Last evaluated: 2018-03-06. Review status: criteria provided, single submitter. Criteria: ICSL Variant Classification Criteria 13 December 2019. Collection method: clinical testing. Allele origin: germline. Not counted in ClinVar's aggregate classification.
Comment: This variant was observed in the ICSL laboratory as part of a predisposition screen in an ostensibly healthy population. It had not been previously curated by ICSL or reported in the Human Gene Mutation Database (HGMD: prior to June 1st, 2018), and was therefore a candidate for classification through an automated scoring system. Utilizing variant allele frequency, disease prevalence and penetrance estimates, and inheritance mode, an automated score was calculated to assess if this variant is too frequent to cause the disease. Based on the score and internal cut-off values, a variant classified as benign is not then subjected to further curation. The score for this variant resulted in a classification of benign for this disease.

Illumina Laboratory Services, Illumina
Classification: Benign for Severe combined immunodeficiency, autosomal recessive, T cell-negative, B cell-negative, NK cell-positive. Last evaluated: 2018-03-06. Review status: criteria provided, single submitter. Criteria: ICSL Variant Classification Criteria 13 December 2019. Collection method: clinical testing. Allele origin: germline. Not counted in ClinVar's aggregate classification.
Comment: the same text as in the submission from Illumina Laboratory Services, Illumina above.

Laboratory for Molecular Medicine, Mass General Brigham Personalized Medicine
Classification: Benign. Last evaluated: 2016-03-28. Review status: criteria provided, single submitter. Criteria: LMM Criteria. Collection method: clinical testing. Allele origin: germline. Not counted in ClinVar's aggregate classification.
Comment: Variant identified in a genome or exome case(s) and assessed due to predicted null impact of the variant or pathogenic assertions in the literature or databases. Disclaimer: This variant has not undergone full assessment. The following are preliminary notes: Frequency - papers in HGMD do not provide evidence of disease association

GeneDx
Classification: Benign. Last evaluated: 2015-03-03. Review status: criteria provided, single submitter. Criteria: GeneDx Variant Classification Process June 2021. Collection method: clinical testing. Allele origin: germline. Affected: yes. Not counted in ClinVar's aggregate classification.
Comment: This variant is associated with the following publications: (PMID: 16857995, 24290284, 22424479, 21625022)

Breakthrough Genomics
Classification: Benign. Review status: criteria provided, single submitter. Criteria: ACMG Guidelines, 2015. Collection method: not provided. Allele origin: germline. Inheritance: Autosomal recessive inheritance. Affected: yes. Not counted in ClinVar's aggregate classification.

GreenArray Genomic Research & Solutions of Accurate Diagnostic Private Limited
Classification: Benign for Immunodeficiency 104. Review status: criteria provided, single submitter. Criteria: ACMG Guidelines, 2015. Collection method: clinical testing. Allele origin: germline. Affected: no. Not counted in ClinVar's aggregate classification.
Comment: The variant is predicted to be benign by PolyPhen2 and the residue is conserved across species. The amino acid change p.Lys820Arg in RAG1

PreventionGenetics, part of Exact Sciences
Classification: Benign. Review status: criteria provided, single submitter. Criteria: ACMG Guidelines, 2015. Collection method: clinical testing. Allele origin: germline. Not counted in ClinVar's aggregate classification.

NM_000448.3(RAG1):c.2459A>G (p.Lys820Arg)

Gene: RAG1 (recombination activating 1; plus strand). Cytogenetic location: 11p12.
Variant type: single nucleotide variant.
Coding change: c.2459A>G on transcript NM_000448.3 (MANE Select); coding-DNA position 2459, A replaced by G.
Protein change: p.Lys820Arg; replaces lysine 820 with arginine.
Molecular consequence: missense variant.
Genome position (GRCh38, 1-based): chr11:36,575,763, A>G. VCF-style: chr11-36575763-A-G. GRCh37 (hg19) VCF-style: chr11-36597313-A-G.
Other names: NM_000448.3(RAG1):c.2459A>G; c.2459A>G, p.Lys820Arg (NM_001377277.1, NM_001377278.1, NM_001377279.1 and 1 more transcripts); short protein forms K820R.
Identifiers: ClinVar variation 256189 (VCV000256189.28), dbSNP rs2227973, ClinGen allele CA5950267.